The following is an entry in ClinVar:

NM_004944.4(DNASE1L3):c.7C>G (p.Arg3Gly)

Gene: DNASE1L3 (deoxyribonuclease 1L3; minus strand). Cytogenetic location: 3p14.3.
Variant type: single nucleotide variant.
Coding change: c.7C>G on transcript NM_004944.4 (MANE Select); coding-DNA position 7, C replaced by G.
Protein change: p.Arg3Gly; replaces arginine 3 with glycine.
Molecular consequence: missense variant.
Genome position (GRCh38, 1-based): chr3:58,210,900, G>C on the plus strand (C>G on the coding strand, the complement: DNASE1L3 is on the minus strand). VCF-style: chr3-58210900-G-C. GRCh37 (hg19) VCF-style: chr3-58196627-G-C.
Other names: c.7C>G, p.Arg3Gly (NM_001256560.2); short protein forms R3G.
Identifiers: ClinVar variation 1525967 (VCV001525967.6), dbSNP rs202183427, ClinGen allele CA2470153.

ClinVar aggregate classification (germline): Uncertain significance. Review status: criteria provided, multiple submitters, no conflicts (2 of 4 stars). 2 submissions from 2 submitters: Uncertain significance (2). Last evaluated 2022-05-13.

Conditions:
Autosomal systemic lupus erythematosus type 16. Also called: Systemic lupus erythematosus 16. Identifiers: Orphanet 300345, MedGen C3280742, MONDO:0013743, OMIM 614420.

gnomAD v4.1: 52 of 1,613,648 alleles (0.0032%); highest among the groups gnomAD compares: Non-Finnish European, 0.0044%; no homozygotes.

Submissions (2):

Fulgent Genetics
Classification: Uncertain significance for Autosomal systemic lupus erythematosus type 16. Last evaluated: 2022-05-13. Review status: criteria provided, single submitter. Criteria: ACMG Guidelines, 2015. Collection method: clinical testing. Allele origin: unknown.

Labcorp Genetics (formerly Invitae), Labcorp
Classification: Uncertain significance. Last evaluated: 2021-08-28. Review status: criteria provided, single submitter. Criteria: Invitae Variant Classification Sherloc (09022015). Collection method: clinical testing. Allele origin: germline.
Comment: This sequence change replaces arginine with glycine at codon 3 of the DNASE1L3 protein (p.Arg3Gly). The arginine residue is weakly conserved and there is a moderate physicochemical difference between arginine and glycine. This variant is present in population databases (rs202183427, ExAC 0.002%). This variant has not been reported in the literature in individuals affected with DNASE1L3-related conditions. Algorithms developed to predict the effect of missense changes on protein structure and function output the following: SIFT: "Tolerated"; PolyPhen-2: "Benign"; Align-GVGD: "Class C0". The glycine amino acid residue is found in multiple mammalian species, which suggests that this missense change does not adversely affect protein function. In summary, the available evidence is currently insufficient to determine the role of this variant in disease. Therefore, it has been classified as a Variant of Uncertain Significance.